The following is an entry in ClinVar:

ClinVar aggregate classification (germline): Uncertain significance (1 of 4 stars; one submission).

Submission:

Labcorp Genetics (formerly Invitae), Labcorp
Classification: Uncertain significance. Last evaluated: 2023-08-17. Review status: criteria provided, single submitter. Criteria: Invitae Variant Classification Sherloc (09022015). Collection method: clinical testing. Allele origin: germline.
Comment: This sequence change replaces threonine, which is neutral and polar, with proline, which is neutral and non-polar, at codon 1101 of the SAMD9L protein (p.Thr1101Pro). This variant is not present in population databases (gnomAD no frequency). This variant has not been reported in the literature in individuals affected with SAMD9L-related conditions. Advanced modeling of protein sequence and biophysical properties (such as structural, functional, and spatial information, amino acid conservation, physicochemical variation, residue mobility, and thermodynamic stability) performed at Invitae indicates that this missense variant is not expected to disrupt SAMD9L protein function. In summary, the available evidence is currently insufficient to determine the role of this variant in disease. Therefore, it has been classified as a Variant of Uncertain Significance.

NM_152703.5(SAMD9L):c.3301A>C (p.Thr1101Pro)

Gene: SAMD9L (sterile alpha motif domain containing 9 like; minus strand). Cytogenetic location: 7q21.2.
Variant type: single nucleotide variant.
Coding change: c.3301A>C on transcript NM_152703.5 (MANE Select); coding-DNA position 3301, A replaced by C.
Protein change: p.Thr1101Pro; replaces threonine 1101 with proline.
Molecular consequence: missense variant.
Genome position (GRCh38, 1-based): chr7:93,132,671, T>G on the plus strand (A>C on the coding strand, the complement: SAMD9L is on the minus strand). VCF-style: chr7-93132671-T-G. GRCh37 (hg19) VCF-style: chr7-92761984-T-G.
Other names: c.3301A>C, p.Thr1101Pro (NM_001303496.3, NM_001303497.3, NM_001303498.3 and 5 more transcripts); short protein forms T1101P.
Identifiers: ClinVar variation 2909819 (VCV002909819.3), dbSNP rs1792183153, ClinGen allele CA368183588.